The following is an entry in ClinVar:

NC_000002.12:g.(?_202513709)_(202520211_?)del

Gene: BMPR2 (bone morphogenetic protein receptor type 2; plus strand). Cytogenetic location: 2q33.2.
Variant type: Deletion.
Identifiers: ClinVar variation 660143 (VCV000660143.2).

ClinVar aggregate classification (germline): Pathogenic. Review status: criteria provided, single submitter (1 of 4 stars). 2 submissions from 1 submitter: Pathogenic (2). Last evaluated 2018-09-06.

Conditions:
Pulmonary hypertension, primary, 1 (PPH1). Also called: Pulmonary hypertension, familial primary, 1, with or without HHT. Identifiers: Orphanet 422, MedGen C4552070, MONDO:0024533, OMIM 178600.
Primary pulmonary hypertension. Also called: Idiopathic pulmonary hypertension. Identifiers: MedGen C0152171.

Submissions (2):

Labcorp Genetics (formerly Invitae), Labcorp
Classification: Pathogenic for Idiopathic Pulmonary Hypertension. Last evaluated: 2018-09-06. Review status: criteria provided, single submitter. Criteria: Invitae Variant Classification Sherloc (09022015). Collection method: clinical testing. Allele origin: germline.
Comment: This variant is an in-frame deletion of the genomic region encompassing exons 4-7 of the BMPR2 gene. It preserves the integrity of the reading frame. Similar deletions of exons 4-7 has been observed in individuals affected with pulmonary arterial hypertension (PMID:Â¬â€ 26387786, Invitae). Experimental studies and prediction algorithms are not available for this variant, and the functional significance of the affected amino acid(s) is currently unknown. For these reasons, this variant has been classified as Pathogenic.

Labcorp Genetics (formerly Invitae), Labcorp
Classification: Pathogenic for Primary pulmonary hypertension. Last evaluated: 2018-08-30. Review status: criteria provided, single submitter. Criteria: Invitae Variant Classification Sherloc (09022015). Collection method: clinical testing. Allele origin: germline.
Comment: This variant is an in-frame deletion of the genomic region encompassing exons 4-7 of the BMPR2 gene. It preserves the integrity of the reading frame. Similar deletions of exons 4-7 has been observed in individuals affected with pulmonary arterial hypertension (PMID: 26387786, Invitae). Experimental studies and prediction algorithms are not available for this variant, and the functional significance of the affected amino acid(s) is currently unknown. For these reasons, this variant has been classified as Pathogenic.

Literature cited by the submitters: PubMed 26387786.